The following is an entry in ClinVar:

ClinVar aggregate classification (germline): Uncertain significance (1 of 4 stars; one submission).

Conditions:
Cardiovascular phenotype. Identifiers: MedGen CN230736.

Submission:

Ambry Genetics
Classification: Uncertain significance for Cardiovascular phenotype. Last evaluated: 2025-12-30. Review status: criteria provided, single submitter. Criteria: Ambry Variant Classification Scheme 2023. Collection method: clinical testing. Allele origin: germline.
Comment: The c.61111+2T>C intronic variant results from a T to C substitution two nucleotides after coding exon 157 in the TTN gene. This exon is located in the A-band region of the N2-B isoform of the titin protein and is constitutively expressed in TTN transcripts (percent spliced in or PSI 100%). This nucleotide position is highly conserved in available vertebrate species. In silico splice site analysis predicts that this alteration will weaken the native splice donor site and may result in the creation or strengthening of a novel splice donor site. This variant disrupts the canonical splice site and is expected to cause aberrant splicing. However, although direct evidence is unavailable, this alteration is predicted to result in an in-frame transcript that is not expected to trigger nonsense-mediated mRNA decay. The exact functional effect of the predicted splice impact is unknown. Based on the available evidence, the clinical significance of this variant remains unclear.

NM_001267550.2(TTN):c.88306+2T>C

Genes: TTN-AS1 (TTN antisense RNA 1; plus strand), TTN (titin; minus strand). Cytogenetic location: 2q31.2.
Variant type: single nucleotide variant.
Coding change: c.88306+2T>C on transcript NM_001267550.2 (MANE Select); the canonical splice donor site of the intron after coding-DNA position 88306, T replaced by C.
Molecular consequence: splice donor variant.
Genome position (GRCh38, 1-based): chr2:178,556,846, A>G on the plus strand (T>C on the coding strand, the complement: TTN is on the minus strand). VCF-style: chr2-178556846-A-G. GRCh37 (hg19) VCF-style: chr2-179421573-A-G.
Other names: c.61111+2T>C (NM_003319.4); c.61687+2T>C (NM_133437.4); c.61486+2T>C (NM_133432.3); c.80602+2T>C (NM_133378.4); c.83383+2T>C (NM_001256850.1).
Identifiers: ClinVar variation 4843170 (VCV004843170.1).
Genomic context (GRCh38, chr2:178,556,846, plus strand): 5'-AAAGGTATGCGGAAATACTGAGTTAAATAGCAATTTTGATTCAAAGTGCTAAGCATGCTT[A>G]CCATAAGAATCGATGCAAGTAATGGGCCCTACAACCTCAGATGGATTGCTAATGGAACCA-3'